The following is an entry in ClinVar:

NM_003482.4(KMT2D):c.15056C>T (p.Ala5019Val)

Gene: KMT2D (lysine methyltransferase 2D; minus strand). Cytogenetic location: 12q13.12.
Variant type: single nucleotide variant.
Coding change: c.15056C>T on transcript NM_003482.4 (MANE Select); coding-DNA position 15056, C replaced by T.
Protein change: p.Ala5019Val; replaces alanine 5019 with valine.
Molecular consequence: missense variant.
Genome position (GRCh38, 1-based): chr12:49,026,910, G>A on the plus strand (C>T on the coding strand, the complement: KMT2D is on the minus strand). VCF-style: chr12-49026910-G-A. GRCh37 (hg19) VCF-style: chr12-49420693-G-A.
Other names: short protein forms A5019V.
Identifiers: ClinVar variation 3347124 (VCV003347124.1).

ClinVar aggregate classification (germline): Uncertain significance (0 of 4 stars; one submission).

Conditions:
KMT2D-related disorder. Also called: KMT2D-Related Disorders.

Submission:

PreventionGenetics, part of Exact Sciences
Classification: Uncertain significance for KMT2D-related condition. Last evaluated: 2024-09-03. Review status: no assertion criteria provided. Collection method: clinical testing. Allele origin: germline.
Comment: The KMT2D c.15056C>T variant is predicted to result in the amino acid substitution p.Ala5019Val. To our knowledge, this variant has not been reported in the literature or in a large population database, indicating this variant is rare. At this time, the clinical significance of this variant is uncertain due to the absence of conclusive functional and genetic evidence.